The following is an entry in ClinVar:

NM_003238.6(TGFB2):c.1027G>A (p.Ala343Thr)

Gene: TGFB2 (transforming growth factor beta 2; plus strand). Cytogenetic location: 1q41.
Variant type: single nucleotide variant.
Coding change: c.1027G>A on transcript NM_003238.6 (MANE Select); coding-DNA position 1027, G replaced by A.
Protein change: p.Ala343Thr; replaces alanine 343 with threonine.
Molecular consequence: missense variant. On other transcripts: non-coding transcript variant (2).
Genome position (GRCh38, 1-based): chr1:218,437,437, G>A. VCF-style: chr1-218437437-G-A. GRCh37 (hg19) VCF-style: chr1-218610779-G-A.
Other names: c.1111G>A, p.Ala371Thr (NM_001135599.4); short protein forms A343T, A371T.
Identifiers: ClinVar variation 576621 (VCV000576621.14), dbSNP rs779554274, ClinGen allele CA1398663.
Genomic context (GRCh38, chr1:218,437,437, plus strand): 5'-TACATTGATTTCAAGAGGGATCTAGGGTGGAAATGGATACACGAACCCAAAGGGTACAAT[G>A]CCAACTTCTGTGCTGGAGCATGCCCGTATTTATGGAGTTCAGACACTCAGCACAGCAGGG-3'
Protein context (NP_003229.1, residues 333-353): KWIHEPKGYN[Ala343Thr]NFCAGACPYL

ClinVar aggregate classification (germline): Uncertain significance. Review status: criteria provided, multiple submitters, no conflicts (2 of 4 stars). 4 submissions from 4 submitters: Uncertain significance (4). Last evaluated 2025-08-30.

Conditions:
Loeys-Dietz syndrome 4 (LDS4). Also called: ANEURYSM, AORTIC AND CEREBRAL, WITH ARTERIAL TORTUOSITY AND SKELETAL MANIFESTATIONS; TGFB2-Related Loeys-Dietz Syndrome. Identifiers: MedGen C3553762, MONDO:0013897, OMIM 614816.
Familial thoracic aortic aneurysm and aortic dissection (TAAD). Also called: Thoracic aortic aneurysms and dissections. Identifiers: Orphanet 91387, MedGen C4707243, MONDO:0019625.

Allele frequency attached by ClinVar (database versions not stated): gnomAD exomes below 0.00001 and 0.00001; ExAC 0.00001; TOPMed 0.00001.
gnomAD v4.1: 18 of 1,613,334 alleles (0.0011%); highest among the groups gnomAD compares: Non-Finnish European, 0.0015%; no homozygotes.

Submissions (4):

Ambry Genetics
Classification: Uncertain significance for Familial thoracic aortic aneurysm and aortic dissection. Last evaluated: 2025-08-30. Review status: criteria provided, single submitter. Criteria: Ambry Variant Classification Scheme 2023. Collection method: clinical testing. Allele origin: germline.
Comment: The p.A343T variant (also known as c.1027G>A), located in coding exon 6 of the TGFB2 gene, results from a G to A substitution at nucleotide position 1027. The alanine at codon 343 is replaced by threonine, an amino acid with similar properties. This amino acid position is conserved. In addition, this alteration is predicted to be deleterious by in silico analysis. Based on the available evidence, the clinical significance of this variant remains unclear.

Labcorp Genetics (formerly Invitae), Labcorp
Classification: Uncertain significance for Loeys-Dietz syndrome 4. Last evaluated: 2024-12-10. Review status: criteria provided, single submitter. Criteria: Invitae Variant Classification Sherloc (09022015). Collection method: clinical testing. Allele origin: germline.
Comment: This sequence change replaces alanine, which is neutral and non-polar, with threonine, which is neutral and polar, at codon 343 of the TGFB2 protein (p.Ala343Thr). The frequency data for this variant in the population databases is considered unreliable, as metrics indicate poor data quality at this position in the gnomAD database. This variant has not been reported in the literature in individuals affected with TGFB2-related conditions. ClinVar contains an entry for this variant (Variation ID: 576621). Invitae Evidence Modeling of protein sequence and biophysical properties (such as structural, functional, and spatial information, amino acid conservation, physicochemical variation, residue mobility, and thermodynamic stability) indicates that this missense variant is not expected to disrupt TGFB2 protein function with a negative predictive value of 80%. In summary, the available evidence is currently insufficient to determine the role of this variant in disease. Therefore, it has been classified as a Variant of Uncertain Significance.

GeneDx
Classification: Uncertain significance. Last evaluated: 2024-05-23. Review status: criteria provided, single submitter. Criteria: GeneDx Variant Classification Process June 2021. Collection method: clinical testing. Allele origin: germline. Affected: yes.
Comment: Not observed at significant frequency in large population cohorts (gnomAD); In silico analysis supports that this missense variant has a deleterious effect on protein structure/function; Has not been previously published as pathogenic or benign to our knowledge

ARUP Laboratories, Molecular Genetics and Genomics, ARUP Laboratories
Classification: Uncertain significance for Loeys-Dietz syndrome 4. Last evaluated: 2022-12-30. Review status: criteria provided, single submitter. Criteria: ARUP Molecular Germline Variant Investigation Process 2024. Collection method: clinical testing. Allele origin: germline.
Comment: The TGFB2 c.1027G>A; p.Ala343Thr variant (rs779554274), to our knowledge, is not reported in the medical literature but is reported in ClinVar (Variation ID: 576621). This variant is only observed on one allele in the Genome Aggregation Database, indicating it is not a common polymorphism. The alanine at codon 343 is highly conserved, and computational analyses predict that this variant is deleterious (REVEL: 0.865). Due to limited information, the clinical significance of this variant is uncertain at this time.